The following is an entry in ClinVar:

ClinVar aggregate classification (germline): Uncertain significance (1 of 4 stars; one submission).

gnomAD v4.1: 8 of 1,612,802 alleles (0.0005%); highest among the groups gnomAD compares: Admixed American, 0.0084%; no homozygotes.

Submission:

Labcorp Genetics (formerly Invitae), Labcorp
Classification: Uncertain significance. Last evaluated: 2022-10-13. Review status: criteria provided, single submitter. Criteria: Invitae Variant Classification Sherloc (09022015). Collection method: clinical testing. Allele origin: germline.
Comment: This sequence change replaces glycine with alanine at codon 705 of the CDH3 protein (p.Gly705Ala). The glycine residue is highly conserved and there is a small physicochemical difference between glycine and alanine. This variant is present in population databases (rs764318240, gnomAD 0.01%). This variant has not been reported in the literature in individuals affected with CDH3-related conditions. ClinVar contains an entry for this variant (Variation ID: 1404335). Advanced modeling of protein sequence and biophysical properties (such as structural, functional, and spatial information, amino acid conservation, physicochemical variation, residue mobility, and thermodynamic stability) performed at Invitae indicates that this missense variant is not expected to disrupt CDH3 protein function. In summary, the available evidence is currently insufficient to determine the role of this variant in disease. Therefore, it has been classified as a Variant of Uncertain Significance.

NM_001793.6(CDH3):c.2114G>C (p.Gly705Ala)

Gene: CDH3 (cadherin 3; plus strand). Cytogenetic location: 16q22.1.
Variant type: single nucleotide variant.
Coding change: c.2114G>C on transcript NM_001793.6 (MANE Select); coding-DNA position 2114, G replaced by C.
Protein change: p.Gly705Ala; replaces glycine 705 with alanine.
Molecular consequence: missense variant.
Genome position (GRCh38, 1-based): chr16:68,695,366, G>C. VCF-style: chr16-68695366-G-C. GRCh37 (hg19) VCF-style: chr16-68729269-G-C.
Other names: c.2114G>C, p.Gly705Ala (NM_001317195.3); c.1949G>C, p.Gly650Ala (NM_001317196.2); short protein forms G705A, G650A.
Identifiers: ClinVar variation 1404335 (VCV001404335.8), dbSNP rs764318240, ClinGen allele CA8129575.